The following is an entry in ClinVar:

NM_001165963.4(SCN1A):c.5116_5117del (p.Asn1706fs)

Genes: SCN1A (sodium voltage-gated channel alpha subunit 1; minus strand), LOC102724058 (uncharacterized LOC102724058; plus strand). Cytogenetic location: 2q24.3.
Variant type: Deletion.
Coding change: c.5116_5117del on transcript NM_001165963.4 (MANE Select); coding-DNA positions 5116 to 5117, 2 bases deleted (AA; older notation c.5116_5117delAA).
Protein change: p.Asn1706fs; shifts the reading frame from asparagine 1706.
Molecular consequence: frameshift variant. On other transcripts: non-coding transcript variant (1).
Genome position (GRCh38, 1-based): chr2:165,992,158-165,992,159, TT deleted on the plus strand (AA on the coding strand, the reverse complement: SCN1A is on the minus strand). VCF-style (leftmost placement, unchanged base first): chr2-165992157-GTT-G. GRCh37 (hg19) VCF-style: chr2-166848667-GTT-G.
Other names: c.5032_5033del, p.Asn1678fs (NM_001165964.3, NM_001353957.2, NM_001353958.2); c.5116_5117del, p.Asn1706fs (NM_001202435.3, NM_001353948.2); c.5083_5084del, p.Asn1695fs (NM_001353949.2, NM_001353950.2, NM_001353951.2 and 2 more transcripts); c.5080_5081del, p.Asn1694fs (NM_001353954.2, NM_001353955.2); c.5029_5030del, p.Asn1677fs (NM_001353960.2); c.2674_2675del, p.Asn892fs (NM_001353961.2); short protein forms N1677fs, N1678fs, N1694fs, N1695fs, N1706fs, N892fs.
Identifiers: ClinVar variation 3770211 (VCV003770211.1).

ClinVar aggregate classification (germline): Likely pathogenic (1 of 4 stars; one submission).

Conditions:
Generalized epilepsy with febrile seizures plus, type 2 (GEFSP2). Also called: GEFS+, TYPE 2. Identifiers: Orphanet 36387, MedGen C1858673, MONDO:0011461, OMIM 604403.
Severe myoclonic epilepsy in infancy (DRVT). Also called: Severe Myoclonic Epilepsy in Infancy (SMEI); Dravet syndrome; SEVERE MYOCLONIC EPILEPSY OF INFANCY; DEVELOPMENTAL AND EPILEPTIC ENCEPHALOPATHY 6A; Epileptic encephalopathy, early infantile, 6 (Dravet syndrome). Identifiers: Orphanet 33069, MedGen C0751122, MONDO:0100135, OMIM 607208.

Submission:

Department of Neurology, Zibo Changguo Hospital
Classification: Likely pathogenic for Generalized epilepsy with febrile seizures plus, type 2; Severe myoclonic epilepsy in infancy. Last evaluated: 2025-01-09. Review status: criteria provided, single submitter. Criteria: ACMG Guidelines, 2015. Collection method: clinical testing. Allele origin: de novo. Inheritance: Autosomal dominant inheritance. Affected: yes.
Comment: PVS1_Strong, PM2_Supporting, PM6